The following is an entry in ClinVar:

NM_001142864.4(PIEZO1):c.2330-2A>G

Genes: HSALR1 (HSP90AB1 associated lncRNA 1; plus strand), PIEZO1 (piezo type mechanosensitive ion channel component 1 (Er blood group); minus strand). Cytogenetic location: 16q24.3.
Variant type: single nucleotide variant.
Coding change: c.2330-2A>G on transcript NM_001142864.4 (MANE Select); the canonical splice acceptor site of the intron before coding-DNA position 2330, A replaced by G.
Molecular consequence: splice acceptor variant.
Genome position (GRCh38, 1-based): chr16:88,733,747, T>C on the plus strand (A>G on the coding strand, the complement: PIEZO1 is on the minus strand). VCF-style: chr16-88733747-T-C. GRCh37 (hg19) VCF-style: chr16-88800155-T-C.
Identifiers: ClinVar variation 4056810 (VCV004056810.1).

ClinVar aggregate classification (germline): Likely pathogenic (1 of 4 stars; one submission).

Conditions:
Lymphatic malformation 6 (LMPHM6). Also called: GENERALIZED LYMPHATIC DYSPLASIA OF FOTIOU; Lymphedema, hereditary, III; PIEZO1-related generalized lymphatic dysplasia with non-immune hydrops fetalis. Identifiers: Orphanet 568062, MedGen C4225184, MONDO:0014797, OMIM 616843.

Submission:

Department of Medical Genetics, Sanjay Gandhi Post Graduate Institute of Medical Sciences
Classification: Likely pathogenic for Lymphatic malformation 6. Last evaluated: 2023-06-14. Review status: criteria provided, single submitter. Criteria: ACMG Guidelines, 2015. Collection method: research. Allele origin: biparental. Inheritance: Autosomal recessive inheritance. Affected: yes. Observed: 1 compound heterozygote.
Comment: A splice site acceptor variant A to G detected at 2330-2. This predicted to disrupt the reading frame, resulting in nonsense mediated decay. ACMG classification PVS1, PM2.

Literature cited by the submitters: PubMed 35393661.